The following is an entry in ClinVar:

ClinVar aggregate classification (germline): Uncertain significance. Review status: criteria provided, multiple submitters, no conflicts (2 of 4 stars). 2 submissions from 2 submitters: Uncertain significance (2). Last evaluated 2025-02-22.

Conditions:
Fanconi anemia (FA). Also called: Fanconi's anemia. Identifiers: Orphanet 84, MedGen C0015625, MeSH D005199, MONDO:0019391.
Inborn genetic diseases. Identifiers: MedGen C0950123, MeSH D030342.

gnomAD v4.1: 3 of 1,614,166 alleles (0.00019%); highest among the groups gnomAD compares: Non-Finnish European, 0.00025%; no homozygotes.

Submissions (2):

Ambry Genetics
Classification: Uncertain significance for Inborn genetic diseases. Last evaluated: 2025-02-22. Review status: criteria provided, single submitter. Criteria: Ambry Variant Classification Scheme 2023. Collection method: clinical testing. Allele origin: germline.
Comment: The p.L1056H variant (also known as c.3167T>A), located in coding exon 32 of the FANCA gene, results from a T to A substitution at nucleotide position 3167. The leucine at codon 1056 is replaced by histidine, an amino acid with similar properties. This amino acid position is conserved. In addition, the in silico prediction for this alteration is inconclusive. Based on the available evidence, the clinical significance of this variant remains unclear.

Labcorp Genetics (formerly Invitae), Labcorp
Classification: Uncertain significance for Fanconi anemia. Last evaluated: 2024-10-23. Review status: criteria provided, single submitter. Criteria: Invitae Variant Classification Sherloc (09022015). Collection method: clinical testing. Allele origin: germline.
Comment: This sequence change replaces leucine, which is neutral and non-polar, with histidine, which is basic and polar, at codon 1056 of the FANCA protein (p.Leu1056His). This variant is not present in population databases (gnomAD no frequency). This variant has not been reported in the literature in individuals affected with FANCA-related conditions. Invitae Evidence Modeling of protein sequence and biophysical properties (such as structural, functional, and spatial information, amino acid conservation, physicochemical variation, residue mobility, and thermodynamic stability) indicates that this missense variant is expected to disrupt FANCA protein function with a positive predictive value of 95%. In summary, the available evidence is currently insufficient to determine the role of this variant in disease. Therefore, it has been classified as a Variant of Uncertain Significance.

NM_000135.4(FANCA):c.3167T>A (p.Leu1056His)

Gene: FANCA (FA complementation group A; minus strand). Cytogenetic location: 16q24.3.
Variant type: single nucleotide variant.
Coding change: c.3167T>A on transcript NM_000135.4 (MANE Select); coding-DNA position 3167, T replaced by A.
Protein change: p.Leu1056His; replaces leucine 1056 with histidine.
Molecular consequence: missense variant.
Genome position (GRCh38, 1-based): chr16:89,749,802, A>T on the plus strand (T>A on the coding strand, the complement: FANCA is on the minus strand). VCF-style: chr16-89749802-A-T. GRCh37 (hg19) VCF-style: chr16-89816210-A-T.
Other names: c.3167T>A, p.Leu1056His (NM_001286167.3); short protein forms L1056H.
Identifiers: ClinVar variation 3664314 (VCV003664314.3).